The following is an entry in ClinVar:

NM_001035.3(RYR2):c.10963G>C (p.Asp3655His)

Gene: RYR2 (ryanodine receptor 2; plus strand). Cytogenetic location: 1q43.
Variant type: single nucleotide variant.
Coding change: c.10963G>C on transcript NM_001035.3 (MANE Select); coding-DNA position 10963, G replaced by C.
Protein change: p.Asp3655His; replaces aspartic acid 3655 with histidine.
Molecular consequence: missense variant.
Genome position (GRCh38, 1-based): chr1:237,732,073, G>C. VCF-style: chr1-237732073-G-C. GRCh37 (hg19) VCF-style: chr1-237895373-G-C.
Other names: short protein forms D3655H.
Identifiers: ClinVar variation 1790597 (VCV001790597.6), dbSNP rs1238152469, ClinGen allele CA345418955.

ClinVar aggregate classification (germline): Uncertain significance. Review status: criteria provided, multiple submitters, no conflicts (2 of 4 stars). 3 submissions from 3 submitters: Uncertain significance (3). Last evaluated 2024-10-03.

Conditions:
Cardiovascular phenotype. Identifiers: MedGen CN230736.
Catecholaminergic polymorphic ventricular tachycardia 1. Also called: VENTRICULAR TACHYCARDIA, CATECHOLAMINERGIC POLYMORPHIC, 1, WITH OR WITHOUT ATRIAL DYSFUNCTION AND/OR DILATED CARDIOMYOPATHY; RYR2-Related Catecholaminergic Polymorphic Ventricular Tachycardia; VENTRICULAR TACHYCARDIA, STRESS-INDUCED POLYMORPHIC 1. Identifiers: Orphanet 3286, MedGen C1631597, MONDO:0011484, OMIM 604772.

Allele frequency attached by ClinVar (database versions not stated): gnomAD 0.00001.
gnomAD v4.1: 9 of 1,608,472 alleles (0.00056%); highest among the groups gnomAD compares: Non-Finnish European, 0.00076%; no homozygotes.

Submissions (3):

Women's Health and Genetics/Laboratory Corporation of America, LabCorp
Classification: Uncertain significance. Last evaluated: 2024-10-03. Review status: criteria provided, single submitter. Criteria: LabCorp Variant Classification Summary - May 2015. Collection method: clinical testing. Allele origin: germline.
Comment: Variant summary: RYR2 c.10963G>C (p.Asp3655His) results in a non-conservative amino acid change in the encoded protein sequence. Four of five in-silico tools predict a damaging effect of the variant on protein function. The variant was absent in 246686 control chromosomes (gnomAD). The available data on variant occurrences in the general population are insufficient to allow any conclusion about variant significance. To our knowledge, no occurrence of c.10963G>C in individuals affected with Catecholaminergic Polymorphic Ventricular Tachycardia and no experimental evidence demonstrating its impact on protein function have been reported. ClinVar contains an entry for this variant (Variation ID: 1790597). Based on the evidence outlined above, the variant was classified as uncertain significance.

Labcorp Genetics (formerly Invitae), Labcorp
Classification: Uncertain significance for Catecholaminergic polymorphic ventricular tachycardia 1. Last evaluated: 2023-07-17. Review status: criteria provided, single submitter. Criteria: Invitae Variant Classification Sherloc (09022015). Collection method: clinical testing. Allele origin: germline.
Comment: This sequence change replaces aspartic acid, which is acidic and polar, with histidine, which is basic and polar, at codon 3655 of the RYR2 protein (p.Asp3655His). In summary, the available evidence is currently insufficient to determine the role of this variant in disease. Therefore, it has been classified as a Variant of Uncertain Significance. Advanced modeling of protein sequence and biophysical properties (such as structural, functional, and spatial information, amino acid conservation, physicochemical variation, residue mobility, and thermodynamic stability) performed at Invitae indicates that this missense variant is not expected to disrupt RYR2 protein function. ClinVar contains an entry for this variant (Variation ID: 1790597). This variant has not been reported in the literature in individuals affected with RYR2-related conditions. This variant is not present in population databases (gnomAD no frequency).

Ambry Genetics
Classification: Uncertain significance for Cardiovascular phenotype. Last evaluated: 2021-06-03. Review status: criteria provided, single submitter. Criteria: Ambry Variant Classification Scheme 2023. Collection method: clinical testing. Allele origin: germline.
Comment: The p.D3655H variant (also known as c.10963G>C), located in coding exon 78 of the RYR2 gene, results from a G to C substitution at nucleotide position 10963. The aspartic acid at codon 3655 is replaced by histidine, an amino acid with similar properties. This amino acid position is not well conserved in available vertebrate species. In addition, the in silico prediction for this alteration is inconclusive. Since supporting evidence is limited at this time, the clinical significance of this alteration remains unclear.